The following is an entry in ClinVar:

NM_000016.6(ACADM):c.566A>C (p.Lys189Thr)

Gene: ACADM (acyl-CoA dehydrogenase medium chain; plus strand). Cytogenetic location: 1p31.1.
Variant type: single nucleotide variant.
Coding change: c.566A>C on transcript NM_000016.6 (MANE Select); coding-DNA position 566, A replaced by C.
Protein change: p.Lys189Thr; replaces lysine 189 with threonine.
Molecular consequence: missense variant. On other transcripts: 5 prime UTR variant (1).
Genome position (GRCh38, 1-based): chr1:75,740,077, A>C. VCF-style: chr1-75740077-A-C. GRCh37 (hg19) VCF-style: chr1-76205762-A-C.
Other names: c.578A>C, p.Lys193Thr (NM_001127328.3); c.458A>C, p.Lys153Thr (NM_001286042.2); c.665A>C, p.Lys222Thr (NM_001286043.2); c.-2A>C (NM_001286044.2); short protein forms K153T, K189T, K193T, K222T.
Identifiers: ClinVar variation 3359597 (VCV003359597.1).
Genomic context (GRCh38, chr1:75,740,077, plus strand): 5'-TAGCTGGTATAAAGACCAAAGCAGAAAAGAAAGGAGATGAGTATATTATTAATGGTCAGA[A>C]GATGTGGATAACCAACGGAGGAAAAGCTAATTGGTATGTTGTTCAAAACATCTTTGTATA-3'
Protein context (NP_000007.1, residues 179-199): KGDEYIINGQ[Lys189Thr]MWITNGGKAN

ClinVar aggregate classification (germline): Uncertain significance (1 of 4 stars; one submission).

Submission:

GeneDx
Classification: Uncertain significance. Last evaluated: 2023-06-02. Review status: criteria provided, single submitter. Criteria: GeneDx Variant Classification Process June 2021. Collection method: clinical testing. Allele origin: germline. Affected: yes.
Comment: Has not been previously published as pathogenic or benign to our knowledge; Not observed at significant frequency in large population cohorts (gnomAD); In silico analysis supports that this missense variant has a deleterious effect on protein structure/function